The following is an entry in ClinVar:

NM_000384.3(APOB):c.1352+4A>G

Gene: APOB (apolipoprotein B; minus strand). Cytogenetic location: 2p24.1.
Variant type: single nucleotide variant.
Coding change: c.1352+4A>G on transcript NM_000384.3 (MANE Select); 4 bases into the intron after coding-DNA position 1352, A replaced by G.
Molecular consequence: intron variant.
Genome position (GRCh38, 1-based): chr2:21,032,350, T>C on the plus strand (A>G on the coding strand, the complement: APOB is on the minus strand). VCF-style: chr2-21032350-T-C. GRCh37 (hg19) VCF-style: chr2-21255222-T-C.
Identifiers: ClinVar variation 2525834 (VCV002525834.2), dbSNP rs2465432300, ClinGen allele CA2580611597.

ClinVar aggregate classification (germline): Uncertain significance (1 of 4 stars; one submission).

Conditions:
Cardiovascular phenotype. Identifiers: MedGen CN230736.

Submission:

Ambry Genetics
Classification: Uncertain significance for Cardiovascular phenotype. Last evaluated: 2023-04-03. Review status: criteria provided, single submitter. Criteria: Ambry Variant Classification Scheme 2023. Collection method: clinical testing. Allele origin: germline.
Comment: The c.1352+4A>G intronic alteration results from an A to G substitution 4 nucleotides after coding exon 10 of the APOB gene. This variant was not reported in population-based cohorts in the Genome Aggregation Database (gnomAD). This nucleotide position is highly conserved in available vertebrate species. In silico splice site analysis predicts that this alteration may result in the creation or strengthening of a novel splice donor site. Based on insufficient or conflicting evidence, the clinical significance of this alteration remains unclear.